The following is an entry in ClinVar:

ClinVar aggregate classification (germline): Conflicting classifications of pathogenicity. Review status: criteria provided, conflicting classifications (1 of 4 stars). 2 submissions from 2 submitters: Uncertain significance (1); Likely benign (1). Last evaluated 2025-12-12.

Conditions:
PEX11B-related disorder. Also called: PEX11B-related condition.

Allele frequency attached by ClinVar (database versions not stated): gnomAD exomes below 0.00001 and 0.00002; ExAC 0.00002; gnomAD 0.00004; TOPMed 0.00005.
gnomAD v4.1: 8 of 1,613,852 alleles (0.0005%); highest among the groups gnomAD compares: African/African-American, 0.0093%; no homozygotes.

Submissions (2):

PreventionGenetics, part of Exact Sciences
Classification: Likely benign for PEX11B-related condition. Last evaluated: 2025-12-12. Review status: criteria provided, single submitter. Criteria: ACMG Guidelines, 2015. Collection method: clinical testing. Allele origin: germline.
Comment: This variant is classified as likely benign based on ACMG/AMP sequence variant interpretation guidelines (Richards et al. 2015 PMID: 25741868, with internal and published modifications).

Eurofins Ntd Llc (ga)
Classification: Uncertain significance. Last evaluated: 2018-04-19. Review status: criteria provided, single submitter. Criteria: EGL ClinVar v180209 classification definitions. Collection method: clinical testing. Allele origin: germline. Observed: 1 variant allele, 1 heterozygote.

NM_003846.3(PEX11B):c.105T>C (p.His35=)

Gene: PEX11B (peroxisomal biogenesis factor 11 beta; minus strand). Cytogenetic location: 1q21.1.
Variant type: single nucleotide variant.
Coding change: c.105T>C on transcript NM_003846.3 (MANE Select); coding-DNA position 105, T replaced by C.
Protein change: p.His35=; no amino-acid change (histidine 35 retained).
Molecular consequence: synonymous variant. On other transcripts: non-coding transcript variant (3).
Genome position (GRCh38, 1-based): chr1:145,917,768, A>G on the plus strand (T>C on the coding strand, the complement: PEX11B is on the minus strand). VCF-style: chr1-145917768-A-G. GRCh37 (hg19) VCF-style: chr1-145517321-T-C.
Other names: c.63T>C, p.His21= (NM_001184795.1); c.105T>C (NM_003846.2).
Identifiers: ClinVar variation 596894 (VCV000596894.6), dbSNP rs782410873, ClinGen allele CA1055507.